The following is an entry in ClinVar:

ClinVar aggregate classification (germline): Uncertain significance (1 of 4 stars; one submission).

Allele frequency attached by ClinVar (database versions not stated): gnomAD exomes below 0.00001; TOPMed below 0.00001.
gnomAD v4.1: 7 of 1,613,972 alleles (0.00043%); highest among the groups gnomAD compares: Non-Finnish European, 0.000085%; no homozygotes.

Submission:

Labcorp Genetics (formerly Invitae), Labcorp
Classification: Uncertain significance. Last evaluated: 2022-05-20. Review status: criteria provided, single submitter. Criteria: Invitae Variant Classification Sherloc (09022015). Collection method: clinical testing. Allele origin: germline.
Comment: This sequence change replaces asparagine, which is neutral and polar, with serine, which is neutral and polar, at codon 1740 of the CDH23 protein (p.Asn1740Ser). This variant is present in population databases (no rsID available, gnomAD 0.01%). This variant has not been reported in the literature in individuals affected with CDH23-related conditions. Algorithms developed to predict the effect of missense changes on protein structure and function are either unavailable or do not agree on the potential impact of this missense change (SIFT: "Deleterious"; PolyPhen-2: "Not Available"; Align-GVGD: "Class C45"). Algorithms developed to predict the effect of sequence changes on RNA splicing suggest that this variant may create or strengthen a splice site. In summary, the available evidence is currently insufficient to determine the role of this variant in disease. Therefore, it has been classified as a Variant of Uncertain Significance.

NM_022124.6(CDH23):c.5219A>G (p.Asn1740Ser)

Gene: CDH23 (cadherin related 23; plus strand). Cytogenetic location: 10q22.1.
Variant type: single nucleotide variant.
Coding change: c.5219A>G on transcript NM_022124.6 (MANE Select); coding-DNA position 5219, A replaced by G.
Protein change: p.Asn1740Ser; replaces asparagine 1740 with serine.
Molecular consequence: missense variant.
Genome position (GRCh38, 1-based): chr10:71,779,298, A>G. VCF-style: chr10-71779298-A-G. GRCh37 (hg19) VCF-style: chr10-73539055-A-G.
Other names: short protein forms N1740S.
Identifiers: ClinVar variation 1986747 (VCV001986747.1), dbSNP rs397517336, ClinGen allele CA377142553.